The following is an entry in ClinVar:

NM_001077653.2(TBX20):c.514G>T (p.Ala172Ser)

Gene: TBX20 (T-box transcription factor 20; minus strand). Cytogenetic location: 7p14.2.
Variant type: single nucleotide variant.
Coding change: c.514G>T on transcript NM_001077653.2 (MANE Select); coding-DNA position 514, G replaced by T.
Protein change: p.Ala172Ser; replaces alanine 172 with serine.
Molecular consequence: missense variant.
Genome position (GRCh38, 1-based): chr7:35,248,708, C>A on the plus strand (G>T on the coding strand, the complement: TBX20 is on the minus strand). VCF-style: chr7-35248708-C-A. GRCh37 (hg19) VCF-style: chr7-35288320-C-A.
Other names: c.514G>T, p.Ala172Ser (NM_001166220.1); short protein forms A172S.
Identifiers: ClinVar variation 1745664 (VCV001745664.7), dbSNP rs749195999, ClinGen allele CA4217494.

ClinVar aggregate classification (germline): Uncertain significance. Review status: criteria provided, multiple submitters, no conflicts (2 of 4 stars). 2 submissions from 2 submitters: Uncertain significance (2). Last evaluated 2024-01-13.

Conditions:
Cardiovascular phenotype. Identifiers: MedGen CN230736.

Allele frequency attached by ClinVar (database versions not stated): gnomAD 0.00001; TOPMed 0.00001; ExAC 0.00002; gnomAD exomes 0.00002.
gnomAD v4.1: 25 of 1,613,686 alleles (0.0015%); highest among the groups gnomAD compares: Middle Eastern, 0.033%; no homozygotes.

Submissions (2):

Labcorp Genetics (formerly Invitae), Labcorp
Classification: Uncertain significance. Last evaluated: 2024-01-13. Review status: criteria provided, single submitter. Criteria: Invitae Variant Classification Sherloc (09022015). Collection method: clinical testing. Allele origin: germline.
Comment: This sequence change replaces alanine, which is neutral and non-polar, with serine, which is neutral and polar, at codon 172 of the TBX20 protein (p.Ala172Ser). This variant is present in population databases (rs749195999, gnomAD 0.002%). This variant has not been reported in the literature in individuals affected with TBX20-related conditions. ClinVar contains an entry for this variant (Variation ID: 1745664). Advanced modeling of protein sequence and biophysical properties (such as structural, functional, and spatial information, amino acid conservation, physicochemical variation, residue mobility, and thermodynamic stability) has been performed at Invitae for this missense variant, however the output from this modeling did not meet the statistical confidence thresholds required to predict the impact of this variant on TBX20 protein function. In summary, the available evidence is currently insufficient to determine the role of this variant in disease. Therefore, it has been classified as a Variant of Uncertain Significance.

Ambry Genetics
Classification: Uncertain significance for Cardiovascular phenotype. Last evaluated: 2021-06-30. Review status: criteria provided, single submitter. Criteria: Ambry Variant Classification Scheme 2023. Collection method: clinical testing. Allele origin: germline.
Comment: The p.A172S variant (also known as c.514G>T), located in coding exon 3 of the TBX20 gene, results from a G to T substitution at nucleotide position 514. The alanine at codon 172 is replaced by serine, an amino acid with similar properties. This amino acid position is conserved. In addition, this alteration is predicted to be deleterious by in silico analysis. Since supporting evidence is limited at this time, the clinical significance of this alteration remains unclear.